The following is an entry in ClinVar:

ClinVar aggregate classification (germline): Uncertain significance. Review status: criteria provided, multiple submitters, no conflicts (2 of 4 stars). 2 submissions from 2 submitters: Uncertain significance (2). Last evaluated 2024-08-13.

gnomAD v4.1: 76 of 1,614,082 alleles (0.0047%); highest among the groups gnomAD compares: Middle Eastern, 0.017%; no homozygotes.

Submissions (2):

Labcorp Genetics (formerly Invitae), Labcorp
Classification: Uncertain significance. Last evaluated: 2024-08-13. Review status: criteria provided, single submitter. Criteria: Invitae Variant Classification Sherloc (09022015). Collection method: clinical testing. Allele origin: germline.
Comment: This sequence change replaces glutamic acid, which is acidic and polar, with glutamine, which is neutral and polar, at codon 350 of the DONSON protein (p.Glu350Gln). This variant is present in population databases (rs149158600, gnomAD 0.005%). This variant has not been reported in the literature in individuals affected with DONSON-related conditions. ClinVar contains an entry for this variant (Variation ID: 1490371). An algorithm developed to predict the effect of missense changes on protein structure and function (PolyPhen-2) suggests that this variant is likely to be tolerated. Algorithms developed to predict the effect of sequence changes on RNA splicing suggest that this variant may create or strengthen a splice site. In summary, the available evidence is currently insufficient to determine the role of this variant in disease. Therefore, it has been classified as a Variant of Uncertain Significance.

Breakthrough Genomics
Classification: Uncertain significance. Review status: criteria provided, single submitter. Criteria: ACMG Guidelines, 2015. Collection method: not provided. Allele origin: germline. Inheritance: Autosomal dominant inheritance. Affected: yes.

NM_017613.4(DONSON):c.1048G>C (p.Glu350Gln)

Gene: DONSON (DNA replication fork stabilization factor DONSON; minus strand). Cytogenetic location: 21q22.11.
Variant type: single nucleotide variant.
Coding change: c.1048G>C on transcript NM_017613.4 (MANE Select); coding-DNA position 1048, G replaced by C.
Protein change: p.Glu350Gln; replaces glutamic acid 350 with glutamine.
Molecular consequence: missense variant.
Genome position (GRCh38, 1-based): chr21:33,582,054, C>G on the plus strand (G>C on the coding strand, the complement: DONSON is on the minus strand). VCF-style: chr21-33582054-C-G. GRCh37 (hg19) VCF-style: chr21-34954360-C-G.
Other names: short protein forms E350Q.
Identifiers: ClinVar variation 1490371 (VCV001490371.6), dbSNP rs149158600, ClinGen allele CA10010418.